The following is an entry in ClinVar:

NM_014714.4(IFT140):c.179G>A (p.Arg60Lys)

Genes: IFT140 (intraflagellar transport 140; minus strand), LOC105371046 (uncharacterized LOC105371046; plus strand). Cytogenetic location: 16p13.3.
Variant type: single nucleotide variant.
Coding change: c.179G>A on transcript NM_014714.4 (MANE Select); coding-DNA position 179, G replaced by A.
Protein change: p.Arg60Lys; replaces arginine 60 with lysine.
Molecular consequence: missense variant.
Genome position (GRCh38, 1-based): chr16:1,602,560, C>T on the plus strand (G>A on the coding strand, the complement: IFT140 is on the minus strand). VCF-style: chr16-1602560-C-T. GRCh37 (hg19) VCF-style: chr16-1652561-C-T.
Other names: short protein forms R60K.
Identifiers: ClinVar variation 1037357 (VCV001037357.12), dbSNP rs148093208, ClinGen allele CA7814790.

ClinVar aggregate classification (germline): Conflicting classifications of pathogenicity. Review status: criteria provided, conflicting classifications (1 of 4 stars). 5 submissions from 5 submitters: Uncertain significance (3); Likely benign (2). Last evaluated 2025-12-09.

Conditions:
Retinitis pigmentosa 80 (RP80). Identifiers: MedGen C4540439, MONDO:0054708, OMIM 617781.
Saldino-Mainzer syndrome (SRTD9). Also called: Renal dysplasia, retinal pigmentary dystrophy, cerebellar ataxia and skeletal dysplasia; SHORT-RIB THORACIC DYSPLASIA 9 WITHOUT POLYDACTYLY; CONORENAL SYNDROME; short-rib thoracic dysplasia 9 with or without polydactyly. Identifiers: Orphanet 140969, MedGen C1849437, MONDO:0009964, OMIM 266920.
Inborn genetic diseases. Identifiers: MedGen C0950123, MeSH D030342.

Allele frequency attached by ClinVar (database versions not stated): gnomAD exomes 0.00002 and 0.00003; ExAC 0.00006; ESP Exome Variant Server 0.00015; TOPMed 0.00020; gnomAD 0.00021 and 0.00022.

Submissions (5):

Labcorp Genetics (formerly Invitae), Labcorp
Classification: Likely benign for Saldino-Mainzer syndrome. Last evaluated: 2025-12-09. Review status: criteria provided, single submitter. Criteria: Invitae Variant Classification Sherloc (09022015). Collection method: clinical testing. Allele origin: germline.

Fulgent Genetics
Classification: Uncertain significance for Saldino-Mainzer syndrome; Retinitis pigmentosa 80. Last evaluated: 2024-06-20. Review status: criteria provided, single submitter. Criteria: ACMG Guidelines, 2015. Collection method: clinical testing. Allele origin: germline.

Ambry Genetics
Classification: Uncertain significance for Inborn genetic diseases. Last evaluated: 2024-03-01. Review status: criteria provided, single submitter. Criteria: Ambry Variant Classification Scheme 2023. Collection method: clinical testing. Allele origin: germline.

Blueprint Genetics
Classification: Likely benign. Last evaluated: 2022-10-17. Review status: criteria provided, single submitter. Criteria: ACMG Guidelines, 2015. Collection method: clinical testing. Allele origin: germline.

GeneDx
Classification: Uncertain significance. Last evaluated: 2019-07-03. Review status: criteria provided, single submitter. Criteria: GeneDx Variant Classification Process June 2021. Collection method: clinical testing. Allele origin: germline. Affected: yes.
Comment: In silico analysis, which includes protein predictors and evolutionary conservation, supports that this variant does not alter protein structure/function; Has not been previously published as pathogenic or benign to our knowledge